The following is an entry in ClinVar:

NM_152564.5(VPS13B):c.5582A>T (p.Lys1861Met)

Gene: VPS13B (vacuolar protein sorting 13 homolog B; plus strand). Cytogenetic location: 8q22.2.
Variant type: single nucleotide variant.
Coding change: c.5582A>T on transcript NM_152564.5 (MANE Select); coding-DNA position 5582, A replaced by T.
Protein change: p.Lys1861Met; replaces lysine 1861 with methionine.
Molecular consequence: missense variant.
Genome position (GRCh38, 1-based): chr8:99,642,172, A>T. VCF-style: chr8-99642172-A-T. GRCh37 (hg19) VCF-style: chr8-100654400-A-T.
Other names: c.5657A>T, p.Lys1886Met (NM_017890.5); short protein forms K1886M, K1861M.
Identifiers: ClinVar variation 5000209 (VCV005000209.1).

ClinVar aggregate classification (germline): Uncertain significance (1 of 4 stars; one submission).

Conditions:
VPS13B-related disorder. Also called: VPS13B-related condition.

gnomAD v4.1: 5 of 1,614,190 alleles (0.00031%); highest among the groups gnomAD compares: Non-Finnish European, 0.00034%; no homozygotes.

Submission:

PreventionGenetics, part of Exact Sciences
Classification: Uncertain significance for VPS13B-related condition. Last evaluated: 2025-01-31. Review status: criteria provided, single submitter. Criteria: ACMG Guidelines, 2015. Collection method: clinical testing. Allele origin: germline.
Comment: The VPS13B c.5582A>T variant is predicted to result in the amino acid substitution p.Lys1861Met. To our knowledge, this variant has not been reported in the literature. This variant is reported in 0.00088% of alleles in individuals of European (Non-Finnish) descent in gnomAD. At this time, the clinical significance of this variant is uncertain due to the absence of conclusive functional and genetic evidence.